The following is an entry in ClinVar:

ClinVar aggregate classification (germline): Uncertain significance (1 of 4 stars; one submission).

Conditions:
Aortic aneurysm, familial thoracic 4 (AAT4). Also called: AORTIC ANEURYSM/AORTIC DISSECTION AND PATENT DUCTUS ARTERIOSUS. Identifiers: MedGen C1851504, MONDO:0007568, OMIM 132900.

Allele frequency attached by ClinVar (database versions not stated): gnomAD exomes below 0.00001.
gnomAD v4.1: 2 of 1,614,040 alleles (0.00012%); highest among the groups gnomAD compares: Non-Finnish European, 0.00017%; no homozygotes.

Submission:

Labcorp Genetics (formerly Invitae), Labcorp
Classification: Uncertain significance for Aortic aneurysm, familial thoracic 4. Last evaluated: 2022-01-26. Review status: criteria provided, single submitter. Criteria: Invitae Variant Classification Sherloc (09022015). Collection method: clinical testing. Allele origin: germline.
Comment: In summary, the available evidence is currently insufficient to determine the role of this variant in disease. Therefore, it has been classified as a Variant of Uncertain Significance. This sequence change replaces lysine, which is basic and polar, with asparagine, which is neutral and polar, at codon 1569 of the MYH11 protein (p.Lys1569Asn). This variant is not present in population databases (gnomAD no frequency). This variant has not been reported in the literature in individuals affected with MYH11-related conditions. Algorithms developed to predict the effect of missense changes on protein structure and function are either unavailable or do not agree on the potential impact of this missense change (SIFT: "Deleterious"; PolyPhen-2: "Probably Damaging"; Align-GVGD: "Class C0").

NM_002474.3(MYH11):c.4686A>C (p.Lys1562Asn)

Genes: MYH11 (myosin heavy chain 11; minus strand), NDE1 (nudE neurodevelopment protein 1; plus strand). Cytogenetic location: 16p13.11.
Variant type: single nucleotide variant.
Coding change: c.4686A>C on transcript NM_002474.3 (MANE Select); coding-DNA position 4686, A replaced by C.
Protein change: p.Lys1562Asn; replaces lysine 1562 with asparagine.
Molecular consequence: missense variant. On other transcripts: intron variant (2).
Genome position (GRCh38, 1-based): chr16:15,720,944, T>G on the plus strand (A>C on the coding strand, the complement: MYH11 is on the minus strand). VCF-style: chr16-15720944-T-G. GRCh37 (hg19) VCF-style: chr16-15814801-T-G.
Other names: c.4707A>C, p.Lys1569Asn (NM_001040113.2, NM_001040114.2); c.4686A>C, p.Lys1562Asn (NM_022844.3); c.948-3247T>G (NM_001143979.2, NM_017668.3); short protein forms K1562N, K1569N.
Identifiers: ClinVar variation 2188019 (VCV002188019.4), dbSNP rs2506120728, ClinGen allele CA394854026.